The following is an entry in ClinVar:

ClinVar aggregate classification (germline): Uncertain significance (1 of 4 stars; one submission).

Submission:

Dasa
Classification: Uncertain significance. Last evaluated: 2025-02-03. Review status: criteria provided, single submitter. Criteria: DASA Assertion Criteria. Collection method: clinical testing. Allele origin: germline.
Comment: NM_020361.5(CPA6):c.193-2A>G affects a canonical splice site and is predicted to disrupt normal RNA splicing. This variant is rare in population databases. The currently available literature and clinical evidence are not sufficient to establish a definitive association between this variant and the reported condition. Therefore, this variant is classified as a variant of uncertain significance.

NM_020361.5(CPA6):c.193-2A>G

Gene: CPA6 (carboxypeptidase A6; minus strand). Cytogenetic location: 8q13.2.
Variant type: single nucleotide variant.
Coding change: c.193-2A>G on transcript NM_020361.5 (MANE Select); the canonical splice acceptor site of the intron before coding-DNA position 193, A replaced by G.
Molecular consequence: splice acceptor variant.
Genome position (GRCh38, 1-based): chr8:67,518,049, T>C on the plus strand (A>G on the coding strand, the complement: CPA6 is on the minus strand). VCF-style: chr8-67518049-T-C. GRCh37 (hg19) VCF-style: chr8-68430284-T-C.
Other names: c.193-2A>G (NM_001440615.1).
Identifiers: ClinVar variation 4881441 (VCV004881441.2).